The following is an entry in ClinVar:

NM_006160.4(NEUROD2):c.970C>G (p.His324Asp)

Gene: NEUROD2 (neuronal differentiation 2; minus strand). Cytogenetic location: 17q12.
Variant type: single nucleotide variant.
Coding change: c.970C>G on transcript NM_006160.4 (MANE Select); coding-DNA position 970, C replaced by G.
Protein change: p.His324Asp; replaces histidine 324 with aspartic acid.
Molecular consequence: missense variant.
Genome position (GRCh38, 1-based): chr17:39,605,630, G>C on the plus strand (C>G on the coding strand, the complement: NEUROD2 is on the minus strand). VCF-style: chr17-39605630-G-C. GRCh37 (hg19) VCF-style: chr17-37761883-G-C.
Other names: short protein forms H324D.
Identifiers: ClinVar variation 3360853 (VCV003360853.1).

ClinVar aggregate classification (germline): Uncertain significance (1 of 4 stars; one submission).

Submission:

GeneDx
Classification: Uncertain significance. Last evaluated: 2023-07-06. Review status: criteria provided, single submitter. Criteria: GeneDx Variant Classification Process June 2021. Collection method: clinical testing. Allele origin: germline. Affected: yes.
Comment: Not observed at significant frequency in large population cohorts (gnomAD); In silico analysis supports that this missense variant has a deleterious effect on protein structure/function; Has not been previously published as pathogenic or benign to our knowledge